The following is an entry in ClinVar:

NM_001297.5(CNGB1):c.3378C>T (p.Gly1126=)

Gene: CNGB1 (cyclic nucleotide gated channel subunit beta 1; minus strand). Cytogenetic location: 16q21.
Variant type: single nucleotide variant.
Coding change: c.3378C>T on transcript NM_001297.5 (MANE Select); coding-DNA position 3378, C replaced by T.
Protein change: p.Gly1126=; no amino-acid change (glycine 1126 retained).
Molecular consequence: synonymous variant.
Genome position (GRCh38, 1-based): chr16:57,887,939, G>A on the plus strand (C>T on the coding strand, the complement: CNGB1 is on the minus strand). VCF-style: chr16-57887939-G-A. GRCh37 (hg19) VCF-style: chr16-57921843-G-A.
Other names: c.3360C>T, p.Gly1120= (NM_001286130.2).
Identifiers: ClinVar variation 320061 (VCV000320061.16), dbSNP rs11867123, ClinGen allele CA8082585.

ClinVar aggregate classification (germline): Benign/Likely benign. Review status: criteria provided, multiple submitters, no conflicts (2 of 4 stars). 4 submissions from 4 submitters: Benign (2); Likely benign (2). Last evaluated 2026-02-04.

Conditions:
Retinal dystrophy. Also called: Inherited retinal dystrophy. Identifiers: Orphanet 71862, MedGen C0854723, MeSH D058499, MONDO:0019118, HP:0000556.
Retinitis pigmentosa (RP). Identifiers: Orphanet 791, MedGen C0035334, MeSH D012174, MONDO:0019200, OMIM 268000. Inheritance: Autosomal dominant, autosomal recessive and X linked inheritance.

Allele frequency attached by ClinVar (database versions not stated): ESP Exome Variant Server 0.01314; TOPMed 0.01326; gnomAD 0.01433 and 0.01573; gnomAD exomes 0.02020; ExAC 0.02061; 1000 Genomes Project 30x 0.02436; 1000 Genomes Project 0.02636.
gnomAD v4.1: 26,747 of 1,614,170 alleles (1.7%); highest among the groups gnomAD compares: East Asian, 5.5%; 311 homozygotes.

Submissions (11):

Labcorp Genetics (formerly Invitae), Labcorp
Classification: Benign. Last evaluated: 2026-02-04. Review status: criteria provided, single submitter. Criteria: Invitae Variant Classification Sherloc (09022015). Collection method: clinical testing. Allele origin: germline.

Dept Of Ophthalmology, Nagoya University
Classification: Benign for Retinal dystrophy. Last evaluated: 2023-10-01. Review status: criteria provided, single submitter. Criteria: Submitter's publication. Collection method: research. Allele origin: germline. Affected: yes.

Illumina Laboratory Services, Illumina
Classification: Likely benign for Retinitis pigmentosa. Last evaluated: 2018-01-13. Review status: criteria provided, single submitter. Criteria: ICSL Variant Classification Criteria 13 December 2019. Collection method: clinical testing. Allele origin: germline.
Comment: This variant was observed in the ICSL laboratory as part of a predisposition screen in an ostensibly healthy population. It had not been previously curated by ICSL or reported in the Human Gene Mutation Database (HGMD: prior to June 1st, 2018), and was therefore a candidate for classification through an automated scoring system. Utilizing variant allele frequency, disease prevalence and penetrance estimates, and inheritance mode, an automated score was calculated to assess if this variant is too frequent to cause the disease. Based on the score and internal cut-off values, a variant classified as likely benign is not then subjected to further curation. The score for this variant resulted in a classification of likely benign for this disease.

Breakthrough Genomics
Classification: Likely benign. Review status: criteria provided, single submitter. Criteria: ACMG Guidelines, 2015. Collection method: not provided. Allele origin: germline. Inheritance: Autosomal recessive inheritance. Affected: yes.

Dr. Peter K. Rogan Lab, Western University
No classification provided (evidence only). Condition: Lung cancer. Review status: no classification provided. Collection method: in vitro. Allele origin: not applicable. Functional consequence: retained intron. Not counted in ClinVar's aggregate classification.

Dr. Peter K. Rogan Lab, Western University
No classification provided (evidence only). Condition: Melanoma. Review status: no classification provided. Collection method: in vitro. Allele origin: not applicable. Functional consequence: retained intron. Not counted in ClinVar's aggregate classification.

Dr. Peter K. Rogan Lab, Western University
No classification provided (evidence only). Condition: Malignant lymphoma, large B-cell, diffuse. Review status: no classification provided. Collection method: in vitro. Allele origin: not applicable. Functional consequence: retained intron. Not counted in ClinVar's aggregate classification.

Dr. Peter K. Rogan Lab, Western University
No classification provided (evidence only). Condition: Ovarian serous cystadenocarcinoma. Review status: no classification provided. Collection method: in vitro. Allele origin: not applicable. Functional consequence: retained intron. Not counted in ClinVar's aggregate classification.

Dr. Peter K. Rogan Lab, Western University
No classification provided (evidence only). Condition: Ovarian serous cystadenocarcinoma. Review status: no classification provided. Collection method: in vitro. Allele origin: not applicable. Functional consequence: retained intron. Not counted in ClinVar's aggregate classification.

Dr. Peter K. Rogan Lab, Western University
No classification provided (evidence only). Condition: Malignant tumor of esophagus. Review status: no classification provided. Collection method: in vitro. Allele origin: not applicable. Functional consequence: retained intron. Not counted in ClinVar's aggregate classification.

Dr. Peter K. Rogan Lab, Western University
No classification provided (evidence only). Condition: Malignant tumor of esophagus. Review status: no classification provided. Collection method: in vitro. Allele origin: not applicable. Functional consequence: retained intron. Not counted in ClinVar's aggregate classification.